The following is an entry in ClinVar:

ClinVar aggregate classification (germline): Uncertain significance (1 of 4 stars; one submission).

Submission:

CeGaT Center for Human Genetics Tuebingen
Classification: Uncertain significance. Last evaluated: 2025-05-01. Review status: criteria provided, single submitter. Criteria: CeGaT Center For Human Genetics Tuebingen Variant Classification Criteria Version 2. Collection method: clinical testing. Allele origin: germline. Affected: yes. Observed: 2 variant alleles.
Comment: KMT2A: PM2, PP2, PP3, PS4:Supporting

NM_001197104.2(KMT2A):c.11840A>G (p.Tyr3947Cys)

Genes: KMT2A (lysine methyltransferase 2A; plus strand), TTC36-AS1 (TTC36 and KMT2A antisense RNA 1; minus strand). Cytogenetic location: 11q23.3.
Variant type: single nucleotide variant.
Coding change: c.11840A>G on transcript NM_001197104.2 (MANE Select); coding-DNA position 11840, A replaced by G.
Protein change: p.Tyr3947Cys; replaces tyrosine 3947 with cysteine.
Molecular consequence: missense variant.
Genome position (GRCh38, 1-based): chr11:118,522,093, A>G. VCF-style: chr11-118522093-A-G. GRCh37 (hg19) VCF-style: chr11-118392808-A-G.
Other names: c.11930A>G, p.Tyr3977Cys (NM_001412597.1); c.11831A>G, p.Tyr3944Cys (NM_005933.4); short protein forms Y3944C, Y3947C, Y3977C.
Identifiers: ClinVar variation 3898542 (VCV003898542.7).